The following is an entry in ClinVar:

ClinVar aggregate classification (germline): Uncertain significance (1 of 4 stars; one submission).

Conditions:
Cardiovascular phenotype. Identifiers: MedGen CN230736.

Allele frequency attached by ClinVar (database versions not stated): gnomAD exomes below 0.00001.
gnomAD v4.1: 3 of 1,614,048 alleles (0.00019%); highest among the groups gnomAD compares: Non-Finnish European, 0.00025%; no homozygotes.

Submission:

Ambry Genetics
Classification: Uncertain significance for Cardiovascular phenotype. Last evaluated: 2021-07-08. Review status: criteria provided, single submitter. Criteria: Ambry Variant Classification Scheme 2023. Collection method: clinical testing. Allele origin: germline.
Comment: The p.K1110T variant (also known as c.3329A>C), located in coding exon 23 of the DSP gene, results from an A to C substitution at nucleotide position 3329. The lysine at codon 1110 is replaced by threonine, an amino acid with similar properties. This amino acid position is conserved. In addition, the in silico prediction for this alteration is inconclusive. Since supporting evidence is limited at this time, the clinical significance of this alteration remains unclear.

NM_004415.4(DSP):c.3329A>C (p.Lys1110Thr)

Gene: DSP (desmoplakin; plus strand). Cytogenetic location: 6p24.3.
Variant type: single nucleotide variant.
Coding change: c.3329A>C on transcript NM_004415.4 (MANE Select); coding-DNA position 3329, A replaced by C.
Protein change: p.Lys1110Thr; replaces lysine 1110 with threonine.
Molecular consequence: missense variant.
Genome position (GRCh38, 1-based): chr6:7,579,519, A>C. VCF-style: chr6-7579519-A-C. GRCh37 (hg19) VCF-style: chr6-7579752-A-C.
Other names: c.3329A>C, p.Lys1110Thr (NM_001008844.3, NM_001319034.2); short protein forms K1110T.
Identifiers: ClinVar variation 1730275 (VCV001730275.2), dbSNP rs1759348894, ClinGen allele CA362683702.